The following is an entry in ClinVar:

NM_001197104.2(KMT2A):c.10541C>T (p.Ser3514Phe)

Gene: KMT2A (lysine methyltransferase 2A; plus strand). Cytogenetic location: 11q23.3.
Variant type: single nucleotide variant.
Coding change: c.10541C>T on transcript NM_001197104.2 (MANE Select); coding-DNA position 10541, C replaced by T.
Protein change: p.Ser3514Phe; replaces serine 3514 with phenylalanine.
Molecular consequence: missense variant.
Genome position (GRCh38, 1-based): chr11:118,506,433, C>T. VCF-style: chr11-118506433-C-T. GRCh37 (hg19) VCF-style: chr11-118377148-C-T.
Other names: c.10631C>T, p.Ser3544Phe (NM_001412597.1); c.10532C>T, p.Ser3511Phe (NM_005933.4); short protein forms S3511F, S3514F, S3544F.
Identifiers: ClinVar variation 3614392 (VCV003614392.2).

ClinVar aggregate classification (germline): Uncertain significance (1 of 4 stars; one submission).

gnomAD v4.1: 1 of 1,614,226 alleles (0.000062%); highest among the groups gnomAD compares: Non-Finnish European, 0.000085%; no homozygotes.

Submission:

Labcorp Genetics (formerly Invitae), Labcorp
Classification: Uncertain significance. Last evaluated: 2024-10-17. Review status: criteria provided, single submitter. Criteria: Invitae Variant Classification Sherloc (09022015). Collection method: clinical testing. Allele origin: germline.
Comment: This sequence change replaces serine, which is neutral and polar, with phenylalanine, which is neutral and non-polar, at codon 3514 of the KMT2A protein (p.Ser3514Phe). This variant is not present in population databases (gnomAD no frequency). This variant has not been reported in the literature in individuals affected with KMT2A-related conditions. Invitae Evidence Modeling of protein sequence and biophysical properties (such as structural, functional, and spatial information, amino acid conservation, physicochemical variation, residue mobility, and thermodynamic stability) indicates that this missense variant is not expected to disrupt KMT2A protein function with a negative predictive value of 95%. In summary, the available evidence is currently insufficient to determine the role of this variant in disease. Therefore, it has been classified as a Variant of Uncertain Significance.